The following is an entry in ClinVar:

ClinVar aggregate classification (germline): Uncertain significance (1 of 4 stars; one submission).

Conditions:
Charcot-Marie-Tooth disease type 2. Also called: Charcot-Marie-Tooth type 2. Identifiers: Orphanet 64746, MedGen C0270914, MONDO:0018993.

Submission:

Labcorp Genetics (formerly Invitae), Labcorp
Classification: Uncertain significance for Charcot-Marie-Tooth disease type 2. Last evaluated: 2022-08-15. Review status: criteria provided, single submitter. Criteria: Invitae Variant Classification Sherloc (09022015). Collection method: clinical testing. Allele origin: germline.
Comment: In summary, the available evidence is currently insufficient to determine the role of this variant in disease. Therefore, it has been classified as a Variant of Uncertain Significance. Algorithms developed to predict the effect of missense changes on protein structure and function (SIFT, PolyPhen-2, Align-GVGD) all suggest that this variant is likely to be tolerated. ClinVar contains an entry for this variant (Variation ID: 1374811). This variant has not been reported in the literature in individuals affected with MED25-related conditions. This variant is not present in population databases (gnomAD no frequency). This sequence change replaces leucine, which is neutral and non-polar, with proline, which is neutral and non-polar, at codon 568 of the MED25 protein (p.Leu568Pro).

NM_030973.4(MED25):c.1703T>C (p.Leu568Pro)

Gene: MED25 (mediator complex subunit 25; plus strand). Cytogenetic location: 19q13.33.
Variant type: single nucleotide variant.
Coding change: c.1703T>C on transcript NM_030973.4 (MANE Select); coding-DNA position 1703, T replaced by C.
Protein change: p.Leu568Pro; replaces leucine 568 with proline.
Molecular consequence: missense variant.
Genome position (GRCh38, 1-based): chr19:49,835,562, T>C. VCF-style: chr19-49835562-T-C. GRCh37 (hg19) VCF-style: chr19-50338819-T-C.
Other names: c.1703T>C, p.Leu568Pro (NM_001378355.1); short protein forms L568P.
Identifiers: ClinVar variation 1374811 (VCV001374811.8), dbSNP rs2123887728, ClinGen allele CA406919499.
Genomic context (GRCh38, chr19:49,835,562, plus strand): 5'-AGTTACTGACCTGCCCCTCTCTCCCCGTGCAGATGGGGGGACAGCAGGCACCCCCAGGGC[T>C]GGGGCCCATTCTGGAGGACCAAGCCAGGCCCTCACAGAATCTGGTGAGGACAGGGCTGGC-3'
Protein context (NP_112235.2, residues 558-578): GMGGQQAPPG[Leu568Pro]GPILEDQARP